The following is an entry in ClinVar:

NM_000179.3(MSH6):c.1304T>C (p.Leu435Pro)

Gene: MSH6 (mutS homolog 6; plus strand). Cytogenetic location: 2p16.3.
Variant type: single nucleotide variant.
Coding change: c.1304T>C on transcript NM_000179.3 (MANE Select); coding-DNA position 1304, T replaced by C.
Protein change: p.Leu435Pro; replaces leucine 435 with proline.
Molecular consequence: missense variant.
Genome position (GRCh38, 1-based): chr2:47,799,287, T>C. VCF-style: chr2-47799287-T-C. GRCh37 (hg19) VCF-style: chr2-48026426-T-C.
Other names: c.914T>C, p.Leu305Pro (NM_001281492.2); c.398T>C, p.Leu133Pro (NM_001281493.2, NM_001281494.2); short protein forms L435P, L133P, L305P.
Identifiers: ClinVar variation 89186 (VCV000089186.23), dbSNP rs63751405, ClinGen allele CA008468.

ClinVar aggregate classification (germline): Pathogenic/Likely pathogenic. Review status: criteria provided, multiple submitters, no conflicts (2 of 4 stars). 6 submissions from 6 submitters: Pathogenic (2); Likely pathogenic (4). Last evaluated 2025-02-17.

Conditions:
Hereditary nonpolyposis colorectal neoplasms. Identifiers: MedGen C0009405, MeSH D003123.
Lynch syndrome 5 (LYNCH5). Also called: Colorectal cancer, hereditary nonpolyposis, type 5; Hereditary non-polyposis colorectal cancer, type 5. Identifiers: Orphanet 144, MedGen C1833477, MONDO:0013710, OMIM 614350. Disease mechanism: loss of function.
Hereditary cancer-predisposing syndrome. Also called: Tumor predisposition; Hereditary Cancer Syndrome; Hereditary neoplastic syndrome; Neoplastic Syndromes, Hereditary. Identifiers: Orphanet 140162, MedGen C0027672, MeSH D009386, MONDO:0015356.
Endometrial carcinoma. Also called: Endometrial carcinoma, somatic. Identifiers: MedGen C0476089, MONDO:0002447, OMIM 608089, HP:0012114.

Submissions (6):

Labcorp Genetics (formerly Invitae), Labcorp
Classification: Pathogenic for Hereditary nonpolyposis colorectal neoplasms. Last evaluated: 2025-02-17. Review status: criteria provided, single submitter. Criteria: Invitae Variant Classification Sherloc (09022015). Collection method: clinical testing. Allele origin: germline.
Comment: This sequence change replaces leucine, which is neutral and non-polar, with proline, which is neutral and non-polar, at codon 435 of the MSH6 protein (p.Leu435Pro). This variant is not present in population databases (gnomAD no frequency). This missense change has been observed in individuals with endometrial cancer (PMID: 16885385; internal data). It has also been observed to segregate with disease in related individuals. Invitae Evidence Modeling of clinical and family history, age, sex, and reported ancestry of multiple individuals with this MSH6 variant has been performed. This variant is expected to be pathogenic with a positive predictive value of at least 99%. This is a validated machine learning model that incorporates the clinical features of 1,370,736 individuals referred to our laboratory for MSH6 testing. ClinVar contains an entry for this variant (Variation ID: 89186). Invitae Evidence Modeling of protein sequence and biophysical properties (such as structural, functional, and spatial information, amino acid conservation, physicochemical variation, residue mobility, and thermodynamic stability) indicates that this missense variant is expected to disrupt MSH6 protein function with a positive predictive value of 95%. Experimental studies have shown that this missense change affects MSH6 function (PMID: 22581703). For these reasons, this variant has been classified as Pathogenic.

Ambry Genetics
Classification: Pathogenic for Hereditary cancer-predisposing syndrome. Last evaluated: 2024-11-27. Review status: criteria provided, single submitter. Criteria: Ambry Variant Classification Scheme 2023. Collection method: clinical testing. Allele origin: germline.
Comment: The c.1304T>C (p.L435P) alteration is located in exon 4 (coding exon 4) of the MSH6 gene. This alteration results from a T to C substitution at nucleotide position 1304, causing the leucine (L) at amino acid position 435 to be replaced by a proline (P). This variant was not reported in population-based cohorts in the Genome Aggregation Database (gnomAD). This mutation has been identified in individuals with endometrial cancer demonstrating microsatellite instability and/or loss of MSH6 protein expression on IHC (Hampel, 2006; Kim, 2020; Ambry internal data). This nucleotide and amino acid position are highly conserved in available vertebrate species. RNA studies demonstrated this mutation resulted in aberrant splicing and skipping of exon 4 (Hampel, 2007). Functional studies also found this variant to be MMR-deficient and unstable when expressed in vitro (Kantelinen, 2012). In silico splice site analysis predicts that this nucleotide alteration will not have any significant effect on splicing. This amino acid alteration is predicted to be deleterious by in silico analysis. Based on the available evidence, this alteration is classified as pathogenic.

Myriad Genetics, Inc.
Classification: Likely pathogenic for Lynch syndrome 5. Last evaluated: 2023-08-11. Review status: criteria provided, single submitter. Criteria: Myriad Autosomal Dominant, Autosomal Recessive and X-Linked Classification Criteria (2023). Collection method: clinical testing. Allele origin: unknown.
Comment: This variant is considered likely pathogenic. Functional studies indicate this variant impacts protein function [PMID: 22581703]. This variant is expected to disrupt protein structure [Myriad internal data].

MGZ Medical Genetics Center
Classification: Likely pathogenic for Lynch syndrome 5. Last evaluated: 2022-05-27. Review status: criteria provided, single submitter. Criteria: ACMG Guidelines, 2015. Collection method: clinical testing. Allele origin: germline. Affected: yes. Observed: 1 variant allele.
Comment: ACMG criteria applied: PS3, PS4_MOD, PM2_SUP, PP3

Baylor Genetics
Classification: Likely pathogenic for Endometrial carcinoma. Last evaluated: 2022-04-11. Review status: criteria provided, single submitter. Criteria: ACMG Guidelines, 2015. Collection method: clinical testing. Allele origin: unknown.

GeneDx
Classification: Likely pathogenic. Last evaluated: 2021-01-06. Review status: criteria provided, single submitter. Criteria: GeneDx Variant Classification Process June 2021. Collection method: clinical testing. Allele origin: germline. Affected: yes.
Comment: Published functional studies demonstrate a damaging effect: deficient MMR activity, protein instability, and aberrant splicing (Hampel 2007, Kantelinen 2012); Not observed in large population cohorts (Lek 2016); In silico analysis supports that this missense variant has a deleterious effect on protein structure/function; This variant is associated with the following publications: (PMID: 32809219, 16885385, 22290698, 23621914, 24811117, 28152038, 22581703, 17909073)

Literature cited by the submitters: PubMed 16885385 (cited by Labcorp Genetics (formerly Invitae), Labcorp and Ambry Genetics); PubMed 22581703 (cited by 3 submitters); PubMed 17909073 (cited by Ambry Genetics); PubMed 32809219 (cited by Ambry Genetics).